The following is an entry in ClinVar:

NM_017514.5(PLXNA3):c.3964-5del

Gene: PLXNA3 (plexin A3; plus strand). Cytogenetic location: Xq28.
Variant type: Deletion.
Coding change: c.3964-5del on transcript NM_017514.5 (MANE Select); 5 bases into the intron before coding-DNA position 3964, one base deleted (C; older notation c.3964-5delC).
Molecular consequence: intron variant.
Genome position (GRCh38, 1-based): chrX:154,468,298, C deleted; the last of 4 consecutive C bases (chrX:154,468,295-154,468,298); deleting any one gives the same sequence. VCF-style (leftmost placement, unchanged base first): chrX-154468294-TC-T. GRCh37 (hg19) VCF-style: chrX-153696637-TC-T.
Identifiers: ClinVar variation 3051942 (VCV003051942.2), dbSNP rs782520547, ClinGen allele CA10564771.

ClinVar aggregate classification (germline): Likely benign (0 of 4 stars; one submission).

Conditions:
PLXNA3-related disorder. Also called: PLXNA3-related condition.

Submission:

PreventionGenetics, part of Exact Sciences
Classification: Likely benign for PLXNA3-related condition. Last evaluated: 2021-06-28. Review status: no assertion criteria provided. Collection method: clinical testing. Allele origin: germline.
Comment: This variant is classified as likely benign based on ACMG/AMP sequence variant interpretation guidelines (Richards et al. 2015 PMID: 25741868, with internal and published modifications).